The following is an entry in ClinVar:

ClinVar aggregate classification (germline): Conflicting classifications of pathogenicity. Review status: criteria provided, conflicting classifications (1 of 4 stars). 4 submissions from 4 submitters: Uncertain significance (1); Benign (1); Likely benign (2). Last evaluated 2024-06-13.

Conditions:
Hereditary cancer-predisposing syndrome. Also called: Tumor predisposition; Neoplastic Syndromes, Hereditary; Hereditary Cancer Syndrome; Hereditary neoplastic syndrome. Identifiers: Orphanet 140162, MedGen C0027672, MeSH D009386, MONDO:0015356.
Familial cancer of breast. Also called: Hereditary breast cancer; BREAST CANCER, FAMILIAL; hereditary breast carcinoma. Identifiers: Orphanet 227535, MedGen C0346153, MONDO:0016419, OMIM 114480. Disease mechanism: loss of function.
Ataxia-telangiectasia syndrome (AT). Also called: ATAXIA-TELANGIECTASIA, COMPLEMENTATION GROUP A; ATAXIA-TELANGIECTASIA, FRESNO VARIANT; Ataxia-telangiectasia; Ataxia-telangiectasia, complementation group D; AT, COMPLEMENTATION GROUP C; Ataxia-telangiectasia, complementation group E. Identifiers: Orphanet 100, MedGen C0004135, MONDO:0008840, OMIM 208900.

Submissions (4):

Myriad Genetics, Inc.
Classification: Benign for Familial cancer of breast. Last evaluated: 2024-06-13. Review status: criteria provided, single submitter. Criteria: Myriad Autosomal Dominant, Autosomal Recessive and X-Linked Classification Criteria (2023). Collection method: clinical testing. Allele origin: unknown.
Comment: This variant is considered benign. This variant is a silent/synonymous amino acid change and it is not expected to impact splicing.

Labcorp Genetics (formerly Invitae), Labcorp
Classification: Likely benign for Ataxia-telangiectasia syndrome. Last evaluated: 2022-03-19. Review status: criteria provided, single submitter. Criteria: Invitae Variant Classification Sherloc (09022015). Collection method: clinical testing. Allele origin: germline.

Ambry Genetics
Classification: Uncertain significance for Hereditary cancer-predisposing syndrome. Last evaluated: 2021-08-10. Review status: criteria provided, single submitter. Criteria: Ambry Variant Classification Scheme 2023. Collection method: clinical testing. Allele origin: germline.
Comment: The c.7092A>G variant (also known as p.A2364A), located in coding exon 48, results from an A to G substitution at nucleotide position 7092 of the ATM gene. This nucleotide substitution does not change the amino acid at codon 2364. This nucleotide position is poorly conserved in available vertebrate species. In silico splice site analysis for this alteration is inconclusive; however, direct evidence is unavailable. Since supporting evidence is limited at this time, the clinical significance of this alteration remains unclear.

Color Diagnostics, LLC DBA Color Health
Classification: Likely benign for Hereditary cancer-predisposing syndrome. Last evaluated: 2019-06-24. Review status: criteria provided, single submitter. Criteria: ACMG Guidelines, 2015. Collection method: clinical testing. Allele origin: germline.

NM_000051.4(ATM):c.7092A>G (p.Ala2364=)

Genes: ATM (ATM serine/threonine kinase; plus strand), C11orf65 (chromosome 11 open reading frame 65; minus strand). Cytogenetic location: 11q22.3.
Variant type: single nucleotide variant.
Coding change: c.7092A>G on transcript NM_000051.4 (MANE Select); coding-DNA position 7092, A replaced by G.
Protein change: p.Ala2364=; no amino-acid change (alanine 2364 retained).
Molecular consequence: synonymous variant. On other transcripts: intron variant (2).
Genome position (GRCh38, 1-based): chr11:108,329,023, A>G. VCF-style: chr11-108329023-A-G. GRCh37 (hg19) VCF-style: chr11-108199750-A-G.
Other names: c.7092A>G, p.Ala2364= (NM_001351834.2); c.641-19952T>C (NM_001330368.2); c.*38+6197T>C (NM_001351110.2).
Identifiers: ClinVar variation 826830 (VCV000826830.17), dbSNP rs1591150359, ClinGen allele CA476676658.